The following is an entry in ClinVar:

ClinVar aggregate classification (germline): Pathogenic. Review status: criteria provided, multiple submitters, no conflicts (2 of 4 stars). 4 submissions from 4 submitters: Pathogenic (4). Last evaluated 2025-08-12.

Conditions:
RAI1-related disorder. Also called: RAI1-related condition.
Smith-Magenis syndrome (SMS). Also called: CHROMOSOME 17p11.2 DELETION SYNDROME. Identifiers: Orphanet 819, MedGen C0795864, MONDO:0008434, OMIM 182290.

Allele frequency attached by ClinVar (database versions not stated): gnomAD exomes below 0.00001.
gnomAD v4.1: 1 of 1,613,922 alleles (0.000062%); highest among the groups gnomAD compares: Non-Finnish European, 0.000085%; no homozygotes.

Submissions (4):

GeneDx
Classification: Pathogenic. Last evaluated: 2025-08-12. Review status: criteria provided, single submitter. Criteria: GeneDx Variant Classification Process June 2021. Collection method: clinical testing. Allele origin: germline. Affected: yes.
Comment: Reported previously as an apparently de novo variant in a patient from a cohort of individuals with autism spectrum disorder (PMID: 35982160); Nonsense variant predicted to result in protein truncation or nonsense mediated decay in a gene for which loss of function is a known mechanism of disease; Not observed at significant frequency in large population cohorts (gnomAD); This variant is associated with the following publications: (PMID: 35982159, 35982160)

Women's Health and Genetics/Laboratory Corporation of America, LabCorp
Classification: Pathogenic for Smith-Magenis syndrome. Last evaluated: 2025-05-30. Review status: criteria provided, single submitter. Criteria: LabCorp Variant Classification Summary - May 2015. Collection method: clinical testing. Allele origin: germline.
Comment: Variant summary: RAI1 c.4678C>T (p.Arg1560X) results in a premature termination codon, predicted to cause a truncation of the encoded protein or absence of the protein due to nonsense mediated decay, which are commonly known mechanisms for disease. The variant was absent in 251064 control chromosomes. To our knowledge, no experimental evidence demonstrating an impact on protein function has been reported. ClinVar contains an entry for this variant (Variation ID: 167563). Based on the evidence outlined above, the variant was classified as pathogenic.

PreventionGenetics, part of Exact Sciences
Classification: Pathogenic for RAI1-related condition. Last evaluated: 2024-12-16. Review status: criteria provided, single submitter. Criteria: ACMG Guidelines, 2015. Collection method: clinical testing. Allele origin: germline.
Comment: The RAI1 c.4678C>T variant is predicted to result in premature protein termination (p.Arg1560*). This variant has been reported as de novo in individuals with autism spectrum disorder (Table S20, Fu et al. 2022. PubMed ID: 35982160; Supplementary Data 1, Zhou et al. 2022. PubMed ID: 35982159, and PreventionGenetics Internal Data). This variant has not been reported in a large population database, indicating this variant is rare. Nonsense variants in RAI1 are expected to be pathogenic. This variant is interpreted as pathogenic.

Eurofins Ntd Llc (ga)
Classification: Pathogenic. Last evaluated: 2017-02-09. Review status: criteria provided, single submitter. Criteria: EGL Classification Definitions. Collection method: clinical testing. Allele origin: germline. Observed: 4 variant alleles, 4 heterozygotes.

NM_030665.4(RAI1):c.4678C>T (p.Arg1560Ter)

Gene: RAI1 (retinoic acid induced 1; plus strand). Cytogenetic location: 17p11.2.
Variant type: single nucleotide variant.
Coding change: c.4678C>T on transcript NM_030665.4 (MANE Select); coding-DNA position 4678, C replaced by T.
Protein change: p.Arg1560Ter; replaces arginine 1560 with a stop codon.
Molecular consequence: nonsense.
Genome position (GRCh38, 1-based): chr17:17,797,626, C>T. VCF-style: chr17-17797626-C-T. GRCh37 (hg19) VCF-style: chr17-17700940-C-T.
Other names: c.4678C>T (NM_030665.3); short protein forms R1560*.
Identifiers: ClinVar variation 167563 (VCV000167563.9), dbSNP rs727504119, ClinGen allele CA234762.